The following is an entry in ClinVar:

NM_172364.5(CACNA2D4):c.3376G>A (p.Val1126Met)

Gene: CACNA2D4 (calcium voltage-gated channel auxiliary subunit alpha2delta 4; minus strand). Cytogenetic location: 12p13.33.
Variant type: single nucleotide variant.
Coding change: c.3376G>A on transcript NM_172364.5 (MANE Select); coding-DNA position 3376, G replaced by A.
Protein change: p.Val1126Met; replaces valine 1126 with methionine.
Molecular consequence: missense variant.
Genome position (GRCh38, 1-based): chr12:1,793,693, C>T on the plus strand (G>A on the coding strand, the complement: CACNA2D4 is on the minus strand). VCF-style: chr12-1793693-C-T. GRCh37 (hg19) VCF-style: chr12-1902859-C-T.
Other names: short protein forms V1126M.
Identifiers: ClinVar variation 1962040 (VCV001962040.5), dbSNP rs367664837, ClinGen allele CA6385930.

ClinVar aggregate classification (germline): Uncertain significance (1 of 4 stars; one submission).

Allele frequency attached by ClinVar (database versions not stated): ESP Exome Variant Server 0.00008; TOPMed 0.00002; ExAC 0.00001.
gnomAD v4.1: 1 of 1,613,810 alleles (0.000062%); highest among the groups gnomAD compares: African/African-American, 0.0013%; no homozygotes.

Submission:

Labcorp Genetics (formerly Invitae), Labcorp
Classification: Uncertain significance. Last evaluated: 2025-11-22. Review status: criteria provided, single submitter. Criteria: Invitae Variant Classification Sherloc (09022015). Collection method: clinical testing. Allele origin: germline.
Comment: This sequence change replaces valine, which is neutral and non-polar, with methionine, which is neutral and non-polar, at codon 1126 of the CACNA2D4 protein (p.Val1126Met). This variant is present in population databases (rs367664837, gnomAD 0.01%). This variant has not been reported in the literature in individuals affected with CACNA2D4-related conditions. ClinVar contains an entry for this variant (Variation ID: 1962040). An algorithm developed to predict the effect of missense changes on protein structure and function (PolyPhen-2) suggests that this variant is likely to be tolerated. In summary, the available evidence is currently insufficient to determine the role of this variant in disease. Therefore, it has been classified as a Variant of Uncertain Significance.